The following is an entry in ClinVar:

NM_003036.4(SKI):c.1033G>A (p.Ala345Thr)

Gene: SKI (SKI proto-oncogene; plus strand). Cytogenetic location: 1p36.32.
Variant type: single nucleotide variant.
Coding change: c.1033G>A on transcript NM_003036.4 (MANE Select); coding-DNA position 1033, G replaced by A.
Protein change: p.Ala345Thr; replaces alanine 345 with threonine.
Molecular consequence: missense variant.
Genome position (GRCh38, 1-based): chr1:2,303,041, G>A. VCF-style: chr1-2303041-G-A. GRCh37 (hg19) VCF-style: chr1-2234480-G-A.
Other names: p.A345T:GCG>ACG; p.Ala345Thr; short protein forms A345T.
Identifiers: ClinVar variation 213666 (VCV000213666.58), dbSNP rs150934009, ClinGen allele CA325191.
Genomic context (GRCh38, chr1:2,303,041, plus strand): 5'-TCCTCTGAGCCTCCGGCCTCCATAAGACCCAAAACAGATGACACCTCTTCCCAGTCCCCC[G>A]CGCCTTCCGAAAAGGACAAGCCGTCCAGCTGGCTGCGGACCTTGGCCGGCTCTTCCAATA-3'
Protein context (NP_003027.1, residues 335-355): KTDDTSSQSP[Ala345Thr]PSEKDKPSSW

ClinVar aggregate classification (germline): Likely benign. Review status: criteria provided, multiple submitters, no conflicts (2 of 4 stars). 8 submissions from 8 submitters: Likely benign (7). 1 of the submissions does not count toward it. Last evaluated 2026-02-01.

Conditions:
SKI-related disorder. Also called: SKI-related condition.
Familial thoracic aortic aneurysm and aortic dissection (TAAD). Also called: Thoracic aortic aneurysms and dissections. Identifiers: Orphanet 91387, MedGen C4707243, MONDO:0019625.
Shprintzen-Goldberg syndrome (SGS). Also called: SHPRINTZEN-GOLDBERG CRANIOSYNOSTOSIS SYNDROME; CRANIOSYNOSTOSIS WITH ARACHNODACTYLY AND ABDOMINAL HERNIAS; Marfanoid disorder with craniosynostosis type 1; Marfanoid craniosynostosis syndrome; Shprintzen-Goldberg marfanoid syndrome. Identifiers: Orphanet 2462, MedGen C1321551, MONDO:0008426, OMIM 182212.

Allele frequency attached by ClinVar (database versions not stated): ESP Exome Variant Server 0.00031; gnomAD 0.00034 and 0.00035; TOPMed 0.00051.
gnomAD v4.1: 874 of 1,613,568 alleles (0.054%); highest among the groups gnomAD compares: Non-Finnish European, 0.07%; 1 homozygote.

Submissions (8):

Labcorp Genetics (formerly Invitae), Labcorp
Classification: Likely benign for Shprintzen-Goldberg syndrome. Last evaluated: 2026-02-01. Review status: criteria provided, single submitter. Criteria: Invitae Variant Classification Sherloc (09022015). Collection method: clinical testing. Allele origin: germline.

Mayo Clinic Laboratories, Mayo Clinic
Classification: Likely benign. Last evaluated: 2025-10-10. Review status: criteria provided, single submitter. Criteria: ACMG Guidelines, 2015. Collection method: clinical testing. Allele origin: germline. Observed: 1 variant allele.
Comment: BP4_moderate

Blueprint Genetics
Classification: Likely benign. Last evaluated: 2024-10-15. Review status: criteria provided, single submitter. Criteria: ACMG Guidelines, 2015. Collection method: clinical testing. Allele origin: germline.

ARUP Laboratories, Molecular Genetics and Genomics, ARUP Laboratories
Classification: Likely benign for Shprintzen-Goldberg syndrome. Last evaluated: 2024-03-20. Review status: criteria provided, single submitter. Criteria: ARUP Molecular Germline Variant Investigation Process 2024. Collection method: clinical testing. Allele origin: germline.

CeGaT Center for Human Genetics Tuebingen
Classification: Likely benign. Last evaluated: 2024-03-01. Review status: criteria provided, single submitter. Criteria: CeGaT Center For Human Genetics Tuebingen Variant Classification Criteria Version 2. Collection method: clinical testing. Allele origin: germline. Affected: yes. Observed: 3 variant alleles.
Comment: SKI: BS1

Ambry Genetics
Classification: Likely benign for Familial thoracic aortic aneurysm and aortic dissection. Last evaluated: 2021-06-29. Review status: criteria provided, single submitter. Criteria: Ambry Variant Classification Scheme 2023. Collection method: clinical testing. Allele origin: germline.

GeneDx
Classification: Likely benign. Last evaluated: 2018-01-04. Review status: criteria provided, single submitter. Criteria: GeneDx Variant Classification (06012015). Collection method: clinical testing. Allele origin: germline. Affected: yes.
Comment: This variant is considered likely benign or benign based on one or more of the following criteria: it is a conservative change, it occurs at a poorly conserved position in the protein, it is predicted to be benign by multiple in silico algorithms, and/or has population frequency not consistent with disease.

PreventionGenetics, part of Exact Sciences
Classification: Likely benign for SKI-related condition. Last evaluated: 2020-02-21. Review status: no assertion criteria provided. Collection method: clinical testing. Allele origin: germline. Not counted in ClinVar's aggregate classification.
Comment: This variant is classified as likely benign based on ACMG/AMP sequence variant interpretation guidelines (Richards et al. 2015 PMID: 25741868, with internal and published modifications).